The following is an entry in ClinVar:

NM_005012.4(ROR1):c.1279G>A (p.Val427Ile)

Gene: ROR1 (ROR family WNT receptor 1; plus strand). Cytogenetic location: 1p31.3.
Variant type: single nucleotide variant.
Coding change: c.1279G>A on transcript NM_005012.4 (MANE Select); coding-DNA position 1279, G replaced by A.
Protein change: p.Val427Ile; replaces valine 427 with isoleucine.
Molecular consequence: missense variant.
Genome position (GRCh38, 1-based): chr1:64,159,085, G>A. VCF-style: chr1-64159085-G-A. GRCh37 (hg19) VCF-style: chr1-64624768-G-A.
Other names: c.1279G>A (NM_005012.3); short protein forms V427I.
Identifiers: ClinVar variation 2189957 (VCV002189957.6), dbSNP rs201506341, ClinGen allele CA890245.

ClinVar aggregate classification (germline): Conflicting classifications of pathogenicity. Review status: criteria provided, conflicting classifications (1 of 4 stars). 2 submissions from 2 submitters: Uncertain significance (1); Likely benign (1). Last evaluated 2026-06-21.

Conditions:
ROR1-related disorder. Also called: ROR1-related condition.

Allele frequency attached by ClinVar (database versions not stated): TOPMed 0.00008; gnomAD 0.00011; 1000 Genomes Project 30x 0.00016; ExAC 0.00016; 1000 Genomes Project 0.00020.
gnomAD v4.1: 135 of 1,614,092 alleles (0.0084%); highest among the groups gnomAD compares: East Asian, 0.22%; 1 homozygote.

Submissions (3):

PreventionGenetics, part of Exact Sciences
Classification: Likely benign for ROR1-related condition. Last evaluated: 2026-06-21. Review status: criteria provided, single submitter. Criteria: ACMG Guidelines, 2015. Collection method: clinical testing. Allele origin: germline.
Comment: This variant is classified as likely benign based on ACMG/AMP sequence variant interpretation guidelines (Richards et al. 2015 PMID: 25741868, with internal and published modifications).

Labcorp Genetics (formerly Invitae), Labcorp
Classification: Uncertain significance. Last evaluated: 2025-12-02. Review status: criteria provided, single submitter. Criteria: Invitae Variant Classification Sherloc (09022015). Collection method: clinical testing. Allele origin: germline.
Comment: This sequence change replaces valine, which is neutral and non-polar, with isoleucine, which is neutral and non-polar, at codon 427 of the ROR1 protein (p.Val427Ile). This variant is present in population databases (rs201506341, gnomAD 0.2%), and has an allele count higher than expected for a pathogenic variant. This variant has not been reported in the literature in individuals affected with ROR1-related conditions. ClinVar contains an entry for this variant (Variation ID: 2189957). Invitae Evidence Modeling of protein sequence and biophysical properties (such as structural, functional, and spatial information, amino acid conservation, physicochemical variation, residue mobility, and thermodynamic stability) indicates that this missense variant is not expected to disrupt ROR1 protein function with a negative predictive value of 80%. In summary, the available evidence is currently insufficient to determine the role of this variant in disease. Therefore, it has been classified as a Variant of Uncertain Significance.

Dr. Peter K. Rogan Lab, Western University
No classification provided (evidence only). Condition: Adrenocortical carcinoma, hereditary. Review status: no classification provided. Collection method: in vitro. Allele origin: not applicable. Functional consequence: retained intron. Not counted in ClinVar's aggregate classification.